The following is an entry in ClinVar:

ClinVar aggregate classification (germline): Uncertain significance (1 of 4 stars; one submission).

Conditions:
Ataxia-telangiectasia-like disorder (ATLD). Identifiers: MedGen C1858391, MONDO:0011457.

Submission:

Labcorp Genetics (formerly Invitae), Labcorp
Classification: Uncertain significance for Ataxia-telangiectasia-like disorder. Last evaluated: 2025-12-08. Review status: criteria provided, single submitter. Criteria: Invitae Variant Classification Sherloc (09022015). Collection method: clinical testing. Allele origin: germline.
Comment: This sequence change replaces glycine, which is neutral and non-polar, with arginine, which is basic and polar, at codon 415 of the MRE11 protein (p.Gly415Arg). This variant is not present in population databases (gnomAD no frequency). This variant has not been reported in the literature in individuals affected with MRE11-related conditions. An algorithm developed to predict the effect of missense changes on protein structure and function (PolyPhen-2) suggests that this variant is likely to be tolerated. In summary, the available evidence is currently insufficient to determine the role of this variant in disease. Therefore, it has been classified as a Variant of Uncertain Significance.

NM_005591.4(MRE11):c.1243G>A (p.Gly415Arg)

Gene: MRE11 (MRE11 double strand break repair nuclease; minus strand). Cytogenetic location: 11q21.
Variant type: single nucleotide variant.
Coding change: c.1243G>A on transcript NM_005591.4 (MANE Select); coding-DNA position 1243, G replaced by A.
Protein change: p.Gly415Arg; replaces glycine 415 with arginine.
Molecular consequence: missense variant.
Genome position (GRCh38, 1-based): chr11:94,461,019, C>T on the plus strand (G>A on the coding strand, the complement: MRE11 is on the minus strand). VCF-style: chr11-94461019-C-T. GRCh37 (hg19) VCF-style: chr11-94194185-C-T.
Other names: c.1243G>A, p.Gly415Arg (NM_001330347.2, NM_001440460.1, NM_001440461.1 and 15 more transcripts); c.1168G>A, p.Gly390Arg (NM_001440471.1, NM_001440472.1, NM_001440479.1); c.1162G>A, p.Gly388Arg (NM_001440473.1, NM_001440477.1, NM_001440478.1); c.898G>A, p.Gly300Arg (NM_001440482.1, NM_001440483.1, NM_001440484.1); c.775G>A, p.Gly259Arg (NM_001440485.1, NM_001440486.1, NM_001440487.1); short protein forms G388R, G390R, G300R, G259R, G415R.
Identifiers: ClinVar variation 4732673 (VCV004732673.1).